The following is an entry in ClinVar:

ClinVar aggregate classification (germline): Pathogenic/Likely pathogenic. Review status: criteria provided, multiple submitters, no conflicts (2 of 4 stars). 2 submissions from 2 submitters: Pathogenic (1); Likely pathogenic (1). Last evaluated 2019-12-12.

Submissions (2):

Mayo Clinic Laboratories, Mayo Clinic
Classification: Likely pathogenic. Last evaluated: 2019-12-12. Review status: criteria provided, single submitter. Criteria: ACMG Guidelines, 2015. Collection method: clinical testing. Allele origin: germline. Observed: 1 variant allele.
Comment: PVS1, PM2, PP5

ARUP Laboratories, Molecular Genetics and Genomics, ARUP Laboratories
Classification: Pathogenic. Last evaluated: 2017-08-24. Review status: criteria provided, single submitter. Criteria: ARUP Molecular Germline Variant Investigation Process. Collection method: clinical testing. Allele origin: germline.

Literature cited by the submitters: PubMed 7627190 (cited by Mayo Clinic Laboratories, Mayo Clinic); PubMed 1430200 (cited by Mayo Clinic Laboratories, Mayo Clinic).

NM_001376013.1(EPB41):c.628A>G (p.Met210Val)

Gene: EPB41 (erythrocyte membrane protein band 4.1; plus strand). Cytogenetic location: 1p35.3.
Variant type: single nucleotide variant.
Coding change: c.628A>G on transcript NM_001376013.1 (MANE Select); coding-DNA position 628, A replaced by G.
Protein change: p.Met210Val; replaces methionine 210 with valine.
Molecular consequence: missense variant. On other transcripts: initiator codon variant (10).
Genome position (GRCh38, 1-based): chr1:28,993,489, A>G. VCF-style: chr1-28993489-A-G. GRCh37 (hg19) VCF-style: chr1-29320001-A-G.
Other names: c.628A>G, p.Met210Val (NM_001166005.2, NM_001166006.2, NM_001376014.1 and 8 more transcripts); c.1A>G, p.Met1Val (NM_001166007.2, NM_001376022.1, NM_001376023.1 and 7 more transcripts); short protein forms M1V, M210V.
Identifiers: ClinVar variation 618091 (VCV000618091.14), dbSNP rs1557948192, ClinGen allele CA339524568.